The following is an entry in ClinVar:

ClinVar aggregate classification (germline): Likely benign. Review status: criteria provided, multiple submitters, no conflicts (2 of 4 stars). 5 submissions from 5 submitters: Likely benign (5). Last evaluated 2025-02-16.

Conditions:
Hereditary cancer-predisposing syndrome. Also called: Neoplastic Syndromes, Hereditary; Hereditary Cancer Syndrome; Tumor predisposition; Hereditary neoplastic syndrome. Identifiers: Orphanet 140162, MedGen C0027672, MeSH D009386, MONDO:0015356.
Neurofibromatosis, type 1 (NF1). Also called: VON RECKLINGHAUSEN DISEASE; Peripheral type neurofibromatosis; NEUROFIBROMATOSIS, TYPE I, SOMATIC; Neurofibromatosis, type I. Identifiers: Orphanet 636, MedGen C0027831, MONDO:0018975, OMIM 162200. Disease mechanism: loss of function.

Submissions (5):

Laboratory of Genetics, Children's Clinical University Hospital Latvia
Classification: Likely benign. Last evaluated: 2025-02-16. Review status: criteria provided, single submitter. Criteria: ACMG Guidelines, 2015. Collection method: clinical testing. Allele origin: germline. Affected: yes.

CeGaT Center for Human Genetics Tuebingen
Classification: Likely benign. Last evaluated: 2023-02-01. Review status: criteria provided, single submitter. Criteria: CeGaT Center For Human Genetics Tuebingen Variant Classification Criteria Version 2. Collection method: clinical testing. Allele origin: germline. Affected: yes. Observed: 1 variant allele.
Comment: NF1: PM2:Supporting, BP4, BP7

Labcorp Genetics (formerly Invitae), Labcorp
Classification: Likely benign for Neurofibromatosis, type 1. Last evaluated: 2022-07-19. Review status: criteria provided, single submitter. Criteria: Invitae Variant Classification Sherloc (09022015). Collection method: clinical testing. Allele origin: germline.

Genome-Nilou Lab
Classification: Likely benign for Neurofibromatosis, type 1. Last evaluated: 2022-03-15. Review status: criteria provided, single submitter. Criteria: ACMG Guidelines, 2015. Collection method: clinical testing. Allele origin: germline. Affected: no.

Ambry Genetics
Classification: Likely benign for Hereditary cancer-predisposing syndrome. Last evaluated: 2015-03-23. Review status: criteria provided, single submitter. Criteria: Ambry Autosomal Dominant and X-Linked criteria (10/2015). Collection method: clinical testing. Allele origin: germline. Observed: 1 variant allele.

NM_001042492.3(NF1):c.7728T>C (p.Asp2576=)

Gene: NF1 (neurofibromin 1; plus strand). Cytogenetic location: 17q11.2.
Variant type: single nucleotide variant.
Coding change: c.7728T>C on transcript NM_001042492.3 (MANE Select); coding-DNA position 7728, T replaced by C.
Protein change: p.Asp2576=; no amino-acid change (aspartic acid 2576 retained).
Molecular consequence: synonymous variant.
Genome position (GRCh38, 1-based): chr17:31,356,572, T>C. VCF-style: chr17-31356572-T-C. GRCh37 (hg19) VCF-style: chr17-29683590-T-C.
Other names: c.7665T>C, p.Asp2555= (NM_000267.4).
Identifiers: ClinVar variation 231000 (VCV000231000.38), dbSNP rs876658892, ClinGen allele CA10580419.
Genomic context (GRCh38, chr17:31,356,572, plus strand): 5'-GCAAGAAATGGAATCAGGGATCACAACACCCCCCAAAATGAGGAGAGTAGCAGAAACTGA[T>C]TATGAAATGGGTGAGAAACAAAGTATTGATCTAGATCATTGAAAATAAGGTGGGAGAGTA-3'
Protein context (NP_001035957.1, residues 2566-2586): PPKMRRVAET[Asp2576=]YEMETQRISS